The following is an entry in ClinVar:

ClinVar aggregate classification (germline): Uncertain significance. Review status: criteria provided, multiple submitters, no conflicts (2 of 4 stars). 2 submissions from 2 submitters: Uncertain significance (2). Last evaluated 2022-11-15.

Conditions:
EEM syndrome (EEMS). Identifiers: Orphanet 1897, MedGen C1857041, MONDO:0009155, OMIM 225280.

Allele frequency attached by ClinVar (database versions not stated): gnomAD exomes 0.00001 and 0.00003; TOPMed 0.00001; gnomAD 0.00002.
gnomAD v4.1: 43 of 1,612,852 alleles (0.0027%); highest among the groups gnomAD compares: Non-Finnish European, 0.0031%; no homozygotes.

Submissions (2):

Labcorp Genetics (formerly Invitae), Labcorp
Classification: Uncertain significance. Last evaluated: 2022-11-15. Review status: criteria provided, single submitter. Criteria: Invitae Variant Classification Sherloc (09022015). Collection method: clinical testing. Allele origin: germline.
Comment: ClinVar contains an entry for this variant (Variation ID: 320224). This variant has not been reported in the literature in individuals affected with CDH3-related conditions. This variant is present in population databases (no rsID available, gnomAD 0.004%). This sequence change replaces methionine, which is neutral and non-polar, with valine, which is neutral and non-polar, at codon 56 of the CDH3 protein (p.Met56Val). Algorithms developed to predict the effect of missense changes on protein structure and function output the following: SIFT: "Not Available"; PolyPhen-2: "Benign"; Align-GVGD: "Not Available". The valine amino acid residue is found in multiple mammalian species, which suggests that this missense change does not adversely affect protein function. In summary, the available evidence is currently insufficient to determine the role of this variant in disease. Therefore, it has been classified as a Variant of Uncertain Significance.

Illumina Laboratory Services, Illumina
Classification: Uncertain significance for EEM syndrome. Last evaluated: 2018-01-13. Review status: criteria provided, single submitter. Criteria: ICSL Variant Classification Criteria 13 December 2019. Collection method: clinical testing. Allele origin: germline.

NM_001793.6(CDH3):c.166A>G (p.Met56Val)

Gene: CDH3 (cadherin 3; plus strand). Cytogenetic location: 16q22.1.
Variant type: single nucleotide variant.
Coding change: c.166A>G on transcript NM_001793.6 (MANE Select); coding-DNA position 166, A replaced by G.
Protein change: p.Met56Val; replaces methionine 56 with valine.
Molecular consequence: missense variant. On other transcripts: initiator codon variant (1).
Genome position (GRCh38, 1-based): chr16:68,676,390, A>G. VCF-style: chr16-68676390-A-G. GRCh37 (hg19) VCF-style: chr16-68710293-A-G.
Other names: c.166A>G, p.Met56Val (NM_001317195.3); c.1A>G, p.Met1Val (NM_001317196.2); short protein forms M56V, M1V.
Identifiers: ClinVar variation 320224 (VCV000320224.14), dbSNP rs886052228, ClinGen allele CA10648768.